The following is an entry in ClinVar:

ClinVar aggregate classification (germline): Uncertain significance (1 of 4 stars; one submission).

Conditions:
Inborn genetic diseases. Identifiers: MedGen C0950123, MeSH D030342.

Submission:

Ambry Genetics
Classification: Uncertain significance for Inborn genetic diseases. Last evaluated: 2025-09-08. Review status: criteria provided, single submitter. Criteria: Ambry Variant Classification Scheme 2023. Collection method: clinical testing. Allele origin: germline.
Comment: The c.2203T>C (p.Y735H) alteration is located in exon 19 (coding exon 18) of the DNMT3A gene. This alteration results from a T to C substitution at nucleotide position 2203, causing the tyrosine (Y) at amino acid position 735 to be replaced by a histidine (H). This variant was not reported in population-based cohorts in the Genome Aggregation Database (gnomAD). This amino acid position is highly conserved in available vertebrate species. This alteration is predicted to be deleterious by in silico analysis. Based on insufficient or conflicting evidence, the clinical significance of this alteration remains unclear.

NM_022552.5(DNMT3A):c.2203T>C (p.Tyr735His)

Gene: DNMT3A (DNA methyltransferase 3 alpha; minus strand). Cytogenetic location: 2p23.3.
Variant type: single nucleotide variant.
Coding change: c.2203T>C on transcript NM_022552.5 (MANE Select); coding-DNA position 2203, T replaced by C.
Protein change: p.Tyr735His; replaces tyrosine 735 with histidine.
Molecular consequence: missense variant. On other transcripts: non-coding transcript variant (1).
Genome position (GRCh38, 1-based): chr2:25,240,421, A>G on the plus strand (T>C on the coding strand, the complement: DNMT3A is on the minus strand). VCF-style: chr2-25240421-A-G. GRCh37 (hg19) VCF-style: chr2-25463290-A-G.
Other names: c.1636T>C, p.Tyr546His (NM_153759.3); c.2203T>C, p.Tyr735His (NM_175629.2); c.1747T>C, p.Tyr583His (NM_001320893.1); c.1534T>C, p.Tyr512His (NM_001375819.1); short protein forms Y512H, Y546H, Y583H, Y735H.
Identifiers: ClinVar variation 4243635 (VCV004243635.1).